The following is an entry in ClinVar:

NM_001003694.2(BRPF1):c.2107T>G (p.Phe703Val)

Gene: BRPF1 (bromodomain and PHD finger containing 1; plus strand). Cytogenetic location: 3p25.3.
Variant type: single nucleotide variant.
Coding change: c.2107T>G on transcript NM_001003694.2 (MANE Select); coding-DNA position 2107, T replaced by G.
Protein change: p.Phe703Val; replaces phenylalanine 703 with valine.
Molecular consequence: missense variant. On other transcripts: non-coding transcript variant (1).
Genome position (GRCh38, 1-based): chr3:9,743,049, T>G. VCF-style: chr3-9743049-T-G. GRCh37 (hg19) VCF-style: chr3-9784733-T-G.
Other names: c.2089T>G, p.Phe697Val (NM_001319049.2, NM_001319050.2, NM_004634.3); short protein forms F697V, F703V.
Identifiers: ClinVar variation 1683269 (VCV001683269.4), dbSNP rs1337408318, ClinGen allele CA351695302.

ClinVar aggregate classification (germline): Uncertain significance. Review status: criteria provided, multiple submitters, no conflicts (2 of 4 stars). 2 submissions from 2 submitters: Uncertain significance (2). Last evaluated 2022-11-22.

Conditions:
Inborn genetic diseases. Identifiers: MedGen C0950123, MeSH D030342.

Submissions (2):

Ambry Genetics
Classification: Uncertain significance for Inborn genetic diseases. Last evaluated: 2022-11-22. Review status: criteria provided, single submitter. Criteria: Ambry Variant Classification Scheme 2023. Collection method: clinical testing. Allele origin: germline.

Women's Health and Genetics/Laboratory Corporation of America, LabCorp
Classification: Uncertain significance. Last evaluated: 2022-04-08. Review status: criteria provided, single submitter. Criteria: LabCorp Variant Classification Summary - May 2015. Collection method: clinical testing. Allele origin: germline.
Comment: Variant summary: BRPF1 c.2107T>G (p.Phe703Val) results in a non-conservative amino acid change located in the Bromodomain (IPR001487) of the encoded protein sequence. Four of five in-silico tools predict a damaging effect of the variant on protein function. The variant was absent in 251486 control chromosomes. The available data on variant occurrences in the general population are insufficient to allow any conclusion about variant significance. To our knowledge, no occurrence of c.2107T>G in individuals affected with Intellectual Developmental Disorder With Dysmorphic Facies And Ptosis and no experimental evidence demonstrating its impact on protein function have been reported. No clinical diagnostic laboratories have submitted clinical-significance assessments for this variant to ClinVar after 2014. Based on the evidence outlined above, the variant was classified as uncertain significance.